The following is an entry in ClinVar:

ClinVar aggregate classification (germline): Uncertain significance (1 of 4 stars; one submission).

Conditions:
Hereditary cancer-predisposing syndrome. Also called: Neoplastic Syndromes, Hereditary; Tumor predisposition; Hereditary Cancer Syndrome; Hereditary neoplastic syndrome. Identifiers: Orphanet 140162, MedGen C0027672, MeSH D009386, MONDO:0015356.

Submission:

Ambry Genetics
Classification: Uncertain significance for Hereditary cancer-predisposing syndrome. Last evaluated: 2026-05-26. Review status: criteria provided, single submitter. Criteria: Ambry Variant Classification Scheme 2023. Collection method: clinical testing. Allele origin: germline.
Comment: The p.Q421R variant (also known as c.1262A>G), located in coding exon 8 of the CTNNA1 gene, results from an A to G substitution at nucleotide position 1262. The glutamine at codon 421 is replaced by arginine, an amino acid with highly similar properties. This amino acid position is highly conserved in available vertebrate species. In addition, the in silico prediction for this alteration is inconclusive. Based on the available evidence, the clinical significance of this variant remains unclear.

NM_001903.5(CTNNA1):c.1262A>G (p.Gln421Arg)

Gene: CTNNA1 (catenin alpha 1; plus strand). Cytogenetic location: 5q31.2.
Variant type: single nucleotide variant.
Coding change: c.1262A>G on transcript NM_001903.5 (MANE Select); coding-DNA position 1262, A replaced by G.
Protein change: p.Gln421Arg; replaces glutamine 421 with arginine.
Molecular consequence: missense variant. On other transcripts: 5 prime UTR variant (5), intron variant (2).
Genome position (GRCh38, 1-based): chr5:138,887,608, A>G. VCF-style: chr5-138887608-A-G. GRCh37 (hg19) VCF-style: chr5-138223297-A-G.
Other names: c.152A>G, p.Gln51Arg (NM_001323987.1, NM_001323988.1, NM_001323989.1 and 18 more transcripts); c.1262A>G, p.Gln421Arg (NM_001290307.3, NM_001323982.2, NM_001323983.1 and 3 more transcripts); c.953A>G, p.Gln318Arg (NM_001290309.3); c.893A>G, p.Gln298Arg (NM_001290310.3); c.-246A>G (NM_001324006.1, NM_001324007.1, NM_001324008.1 and 1 more transcripts); c.-121A>G (NM_001324013.1); c.-58+12011A>G (NM_001324012.1); c.-61+12011A>G (NM_001324010.1); short protein forms Q298R, Q318R, Q421R, Q51R.
Identifiers: ClinVar variation 4869487 (VCV004869487.1).